The following is an entry in ClinVar:

ClinVar aggregate classification (germline): Conflicting classifications of pathogenicity. Review status: criteria provided, conflicting classifications (1 of 4 stars). 3 submissions from 3 submitters: Uncertain significance (2); Benign (1). Last evaluated 2025-05-19.

Conditions:
Hereditary cancer-predisposing syndrome. Also called: Neoplastic Syndromes, Hereditary; Tumor predisposition; Hereditary Cancer Syndrome; Hereditary neoplastic syndrome. Identifiers: Orphanet 140162, MedGen C0027672, MeSH D009386, MONDO:0015356.
Hereditary breast ovarian cancer syndrome. Also called: Hereditary breast and ovarian cancer; Hereditary breast and/or ovarian cancer syndrome; BRCA1- and BRCA2-Associated Hereditary Breast and Ovarian Cancer; Hereditary breast and ovarian cancer syndrome (HBOC); Hereditary breast and ovarian cancer syndrome; Breast and ovarian cancer. Identifiers: Orphanet 145, MedGen C0677776, MeSH D061325, MONDO:0003582. Disease mechanism: loss of function.

Allele frequency attached by ClinVar (database versions not stated): gnomAD exomes below 0.00001.
gnomAD v4.1: 1 of 1,614,110 alleles (0.000062%); highest among the groups gnomAD compares: South Asian, 0.0011%; no homozygotes.

Submissions (3):

Ambry Genetics
Classification: Benign for Hereditary cancer-predisposing syndrome. Last evaluated: 2025-05-19. Review status: criteria provided, single submitter. Criteria: Ambry Variant Classification Scheme 2023. Collection method: clinical testing. Allele origin: germline.

Labcorp Genetics (formerly Invitae), Labcorp
Classification: Uncertain significance for Hereditary breast ovarian cancer syndrome. Last evaluated: 2024-10-16. Review status: criteria provided, single submitter. Criteria: Invitae Variant Classification Sherloc (09022015). Collection method: clinical testing. Allele origin: germline.
Comment: This sequence change replaces glutamic acid, which is acidic and polar, with glycine, which is neutral and non-polar, at codon 2878 of the BRCA2 protein (p.Glu2878Gly). This variant is not present in population databases (gnomAD no frequency). This variant has not been reported in the literature in individuals affected with BRCA2-related conditions. ClinVar contains an entry for this variant (Variation ID: 186963). An algorithm developed to predict the effect of missense changes on protein structure and function (PolyPhen-2) suggests that this variant is likely to be disruptive. In summary, the available evidence is currently insufficient to determine the role of this variant in disease. Therefore, it has been classified as a Variant of Uncertain Significance.

GeneDx
Classification: Uncertain significance. Last evaluated: 2016-03-03. Review status: criteria provided, single submitter. Criteria: GeneDx Variant Classification (06012015). Collection method: clinical testing. Allele origin: germline. Affected: yes.
Comment: This variant is denoted BRCA2 c.8633A>G at the cDNA level, p.Glu2878Gly (E2878G) at the protein level, and results in the change of a Glutamic Acid to a Glycine (GAA>GGA). Using alternate nomenclature, this variant would be defined as BRCA2 8861A>G. This variant has not, to our knowledge, been published in the literature as pathogenic or benign. BRCA2 Glu2878Gly was not observed in approximately 6,500 individuals of European and African American ancestry in the NHLBI Exome Sequencing Project, suggesting it is not a common benign variant in these populations. Since Glutamic Acid and Glycine differ in polarity, charge, size or other properties, this is considered a non-conservative amino acid substitution. BRCA2 Glu2878Gly occurs at a position that is not conserved and is located within the DNA binding domain (Yang 2002). In silico analyses are inconsistent regarding the effect this variant may have on protein structure and function. Based on currently available evidence, it is unclear whether BRCA2 Glu2878Gly is a pathogenic or benign variant. We consider it to be a variant of uncertain significance.

NM_000059.4(BRCA2):c.8633A>G (p.Glu2878Gly)

Gene: BRCA2 (BRCA2 DNA repair associated; plus strand). Cytogenetic location: 13q13.1.
Variant type: single nucleotide variant.
Coding change: c.8633A>G on transcript NM_000059.4 (MANE Select); coding-DNA position 8633, A replaced by G.
Protein change: p.Glu2878Gly; replaces glutamic acid 2878 with glycine.
Molecular consequence: missense variant.
Genome position (GRCh38, 1-based): chr13:32,376,670, A>G. VCF-style: chr13-32376670-A-G. GRCh37 (hg19) VCF-style: chr13-32950807-A-G.
Other names: short protein forms E2878G.
Identifiers: ClinVar variation 186963 (VCV000186963.16), dbSNP rs786203358, ClinGen allele CA025754.
Genomic context (GRCh38, chr13:32,376,670, plus strand): 5'-TAGTTTTAGTTGCTTTTGAATTTACAGTTTAGTGAATTAATAATCCTTTTGTTTTCTTAG[A>G]AAACACAACAAAACCATATTTACCATCACGTGCACTAACAAGACAGCAAGTTCGTGCTTT-3'
Protein context (NP_000050.3, residues 2868-2888): KIQEEFEEHE[Glu2878Gly]NTTKPYLPSR